The following is an entry in ClinVar:

ClinVar aggregate classification (germline): Uncertain significance. Review status: criteria provided, multiple submitters, no conflicts (2 of 4 stars). 3 submissions from 3 submitters: Uncertain significance (3). Last evaluated 2025-11-21.

Conditions:
Cardiovascular phenotype. Identifiers: MedGen CN230736.
Arrhythmogenic cardiomyopathy with wooly hair and keratoderma. Also called: Carvajal syndrome; PALMOPLANTAR KERATODERMA WITH LEFT VENTRICULAR CARDIOMYOPATHY AND WOOLLY HAIR; Dilated cardiomyopathy with woolly hair and keratoderma; Arrhythmogenic cardiomyopathy with woolly hair and keratoderma. Identifiers: Orphanet 65282, MedGen C1854063, MONDO:0011581, OMIM 605676.
Arrhythmogenic right ventricular dysplasia 8 (ARVD8). Also called: ARRHYTHMOGENIC RIGHT VENTRICULAR DYSPLASIA, FAMILIAL, 8; Arrhythmogenic Right Ventricular Dysplasia/Cardiomyopathy 8; ARRHYTHMOGENIC RIGHT VENTRICULAR CARDIOMYOPATHY 8. Identifiers: MedGen C1843896, MONDO:0011831, OMIM 607450.

Allele frequency attached by ClinVar (database versions not stated): gnomAD exomes below 0.00001.
gnomAD v4.1: 2 of 1,614,060 alleles (0.00012%); highest among the groups gnomAD compares: Non-Finnish European, 0.000085%; no homozygotes.

Submissions (3):

Ambry Genetics
Classification: Uncertain significance for Cardiovascular phenotype. Last evaluated: 2025-11-21. Review status: criteria provided, single submitter. Criteria: Ambry Variant Classification Scheme 2023. Collection method: clinical testing. Allele origin: germline.
Comment: The p.L1669P variant (also known as c.5006T>C), located in coding exon 23 of the DSP gene, results from a T to C substitution at nucleotide position 5006. The leucine at codon 1669 is replaced by proline, an amino acid with similar properties. This amino acid position is conserved. In addition, this alteration is predicted to be tolerated by in silico analysis. Based on the available evidence, the clinical significance of this variant remains unclear.

Labcorp Genetics (formerly Invitae), Labcorp
Classification: Uncertain significance for Arrhythmogenic cardiomyopathy with wooly hair and keratoderma; Arrhythmogenic right ventricular dysplasia 8. Last evaluated: 2025-07-22. Review status: criteria provided, single submitter. Criteria: Invitae Variant Classification Sherloc (09022015). Collection method: clinical testing. Allele origin: germline.
Comment: This sequence change replaces leucine, which is neutral and non-polar, with proline, which is neutral and non-polar, at codon 1669 of the DSP protein (p.Leu1669Pro). This variant is not present in population databases (gnomAD no frequency). This variant has not been reported in the literature in individuals affected with DSP-related conditions. ClinVar contains an entry for this variant (Variation ID: 859312). An algorithm developed to predict the effect of missense changes on protein structure and function (PolyPhen-2) suggests that this variant is likely to be tolerated. In summary, the available evidence is currently insufficient to determine the role of this variant in disease. Therefore, it has been classified as a Variant of Uncertain Significance.

Institute for Clinical Genetics, University Hospital TU Dresden, University Hospital TU Dresden
Classification: Uncertain significance. Last evaluated: 2022-12-09. Review status: criteria provided, single submitter. Criteria: ACMG Guidelines, 2015. Collection method: clinical testing. Allele origin: germline.

NM_004415.4(DSP):c.5006T>C (p.Leu1669Pro)

Gene: DSP (desmoplakin; plus strand). Cytogenetic location: 6p24.3.
Variant type: single nucleotide variant.
Coding change: c.5006T>C on transcript NM_004415.4 (MANE Select); coding-DNA position 5006, T replaced by C.
Protein change: p.Leu1669Pro; replaces leucine 1669 with proline.
Molecular consequence: missense variant. On other transcripts: intron variant (2).
Genome position (GRCh38, 1-based): chr6:7,581,196, T>C. VCF-style: chr6-7581196-T-C. GRCh37 (hg19) VCF-style: chr6-7581429-T-C.
Other names: c.4050+956T>C (NM_001319034.2); c.3582+1424T>C (NM_001008844.3); short protein forms L1669P.
Identifiers: ClinVar variation 859312 (VCV000859312.12), dbSNP rs776712810, ClinGen allele CA362687633.